The following is an entry in ClinVar:

NM_004588.5(SCN2B):c.26G>A (p.Arg9His)

Gene: SCN2B (sodium voltage-gated channel beta subunit 2; minus strand). Cytogenetic location: 11q23.3.
Variant type: single nucleotide variant.
Coding change: c.26G>A on transcript NM_004588.5 (MANE Select); coding-DNA position 26, G replaced by A.
Protein change: p.Arg9His; replaces arginine 9 with histidine.
Molecular consequence: missense variant.
Genome position (GRCh38, 1-based): chr11:118,176,406, C>T on the plus strand (G>A on the coding strand, the complement: SCN2B is on the minus strand). VCF-style: chr11-118176406-C-T. GRCh37 (hg19) VCF-style: chr11-118047121-C-T.
Other names: short protein forms R9H.
Identifiers: ClinVar variation 3224330 (VCV003224330.3), dbSNP rs1346537909, ClinGen allele CA382771472.

ClinVar aggregate classification (germline): Uncertain significance. Review status: criteria provided, multiple submitters, no conflicts (2 of 4 stars). 2 submissions from 2 submitters: Uncertain significance (2). Last evaluated 2024-09-09.

Conditions:
Atrial fibrillation, familial, 14 (ATFB14). Identifiers: MedGen C3809312, MONDO:0014156, OMIM 615378.
Cardiovascular phenotype. Identifiers: MedGen CN230736.

Allele frequency attached by ClinVar (database versions not stated): gnomAD exomes below 0.00001; gnomAD 0.00001; TOPMed 0.00001.
gnomAD v4.1: 6 of 1,613,898 alleles (0.00037%); highest among the groups gnomAD compares: Non-Finnish European, 0.00051%; no homozygotes.

Submissions (2):

Labcorp Genetics (formerly Invitae), Labcorp
Classification: Uncertain significance for Atrial fibrillation, familial, 14. Last evaluated: 2024-09-09. Review status: criteria provided, single submitter. Criteria: Invitae Variant Classification Sherloc (09022015). Collection method: clinical testing. Allele origin: germline.
Comment: This sequence change replaces arginine, which is basic and polar, with histidine, which is basic and polar, at codon 9 of the SCN2B protein (p.Arg9His). This variant is present in population databases (no rsID available, gnomAD 0.01%). This variant has not been reported in the literature in individuals affected with SCN2B-related conditions. An algorithm developed to predict the effect of missense changes on protein structure and function (PolyPhen-2) suggests that this variant is likely to be tolerated. In summary, the available evidence is currently insufficient to determine the role of this variant in disease. Therefore, it has been classified as a Variant of Uncertain Significance.

Ambry Genetics
Classification: Uncertain significance for Cardiovascular phenotype. Last evaluated: 2023-11-09. Review status: criteria provided, single submitter. Criteria: Ambry Variant Classification Scheme 2023. Collection method: clinical testing. Allele origin: germline.
Comment: The p.R9H variant (also known as c.26G>A), located in coding exon 1 of the SCN2B gene, results from a G to A substitution at nucleotide position 26. The arginine at codon 9 is replaced by histidine, an amino acid with highly similar properties. This amino acid position is conserved. In addition, the in silico prediction for this alteration is inconclusive. Since supporting evidence is limited at this time, the clinical significance of this alteration remains unclear.